The following is an entry in ClinVar:

NM_003384.3(VRK1):c.767C>T (p.Thr256Ile)

Gene: VRK1 (VRK serine/threonine kinase 1; plus strand). Cytogenetic location: 14q32.2.
Variant type: single nucleotide variant.
Coding change: c.767C>T on transcript NM_003384.3 (MANE Select); coding-DNA position 767, C replaced by T.
Protein change: p.Thr256Ile; replaces threonine 256 with isoleucine.
Molecular consequence: missense variant.
Genome position (GRCh38, 1-based): chr14:96,856,187, C>T. VCF-style: chr14-96856187-C-T. GRCh37 (hg19) VCF-style: chr14-97322524-C-T.
Other names: c.767C>T, p.Thr256Ile (NM_001411051.1, NM_001411053.1); short protein forms T256I.
Identifiers: ClinVar variation 2151075 (VCV002151075.2), dbSNP rs1888145240, ClinGen allele CA390931487.

ClinVar aggregate classification (germline): Uncertain significance. Review status: criteria provided, multiple submitters, no conflicts (2 of 4 stars). 2 submissions from 2 submitters: Uncertain significance (2). Last evaluated 2024-05-16.

Conditions:
Pontocerebellar hypoplasia type 1A (PCH1A). Also called: PONTOCEREBELLAR HYPOPLASIA WITH ANTERIOR HORN CELL DISEASE; PONTOCEREBELLAR HYPOPLASIA WITH INFANTILE SPINAL MUSCULAR ATROPHY. Identifiers: Orphanet 2254, Orphanet 88616, MedGen C1843504, MONDO:0011866, OMIM 607596.

Allele frequency attached by ClinVar (database versions not stated): TOPMed below 0.00001; gnomAD exomes 0.00001.
gnomAD v4.1: 8 of 1,613,680 alleles (0.0005%); highest among the groups gnomAD compares: East Asian, 0.016%; no homozygotes.

Submissions (2):

Women's Health and Genetics/Laboratory Corporation of America, LabCorp
Classification: Uncertain significance. Last evaluated: 2024-05-16. Review status: criteria provided, single submitter. Criteria: LabCorp Variant Classification Summary - May 2015. Collection method: clinical testing. Allele origin: germline.
Comment: Variant summary: VRK1 c.767C>T (p.Thr256Ile) results in a non-conservative amino acid change located in the Protein kinase domain (IPR000719) of the encoded protein sequence. Three of five in-silico tools predict a damaging effect of the variant on protein function. The variant was absent in 251258 control chromosomes. The available data on variant occurrences in the general population are insufficient to allow any conclusion about variant significance. c.767C>T has been reported in the literature in an individual affected with Pontocerebellar Hypoplasia, Type 1A (Yamaura_2019). This report does not provide unequivocal conclusions about association of the variant with Pontocerebellar Hypoplasia, Type 1A. To our knowledge, no experimental evidence demonstrating an impact on protein function has been reported. The following publication have been ascertained in the context of this evaluation (PMID: 31178479). ClinVar contains an entry for this variant (Variation ID: 2151075). Based on the evidence outlined above, the variant was classified as uncertain significance.

Labcorp Genetics (formerly Invitae), Labcorp
Classification: Uncertain significance for Pontocerebellar hypoplasia type 1A. Last evaluated: 2022-07-21. Review status: criteria provided, single submitter. Criteria: Invitae Variant Classification Sherloc (09022015). Collection method: clinical testing. Allele origin: germline.
Comment: This sequence change replaces threonine, which is neutral and polar, with isoleucine, which is neutral and non-polar, at codon 256 of the VRK1 protein (p.Thr256Ile). This variant is not present in population databases (gnomAD no frequency). This missense change has been observed in individual(s) with VRK1-related conditions (PMID: 31178479). Algorithms developed to predict the effect of missense changes on protein structure and function (SIFT, PolyPhen-2, Align-GVGD) all suggest that this variant is likely to be tolerated. In summary, the available evidence is currently insufficient to determine the role of this variant in disease. Therefore, it has been classified as a Variant of Uncertain Significance.

Literature cited by the submitters: PubMed 31178479 (cited by Women's Health and Genetics/Laboratory Corporation of America, LabCorp and Labcorp Genetics (formerly Invitae), Labcorp).